The following is an entry in ClinVar:

NM_017534.6(MYH2):c.2642A>G (p.Glu881Gly)

Genes: MYHAS (myosin heavy chain gene cluster antisense RNA; plus strand), MYH2 (myosin heavy chain 2; minus strand). Cytogenetic location: 17p13.1.
Variant type: single nucleotide variant.
Coding change: c.2642A>G on transcript NM_017534.6 (MANE Select); coding-DNA position 2642, A replaced by G.
Protein change: p.Glu881Gly; replaces glutamic acid 881 with glycine.
Molecular consequence: missense variant.
Genome position (GRCh38, 1-based): chr17:10,531,688, T>C on the plus strand (A>G on the coding strand, the complement: MYH2 is on the minus strand). VCF-style: chr17-10531688-T-C. GRCh37 (hg19) VCF-style: chr17-10435005-T-C.
Other names: c.2642A>G, p.Glu881Gly (NM_001100112.2); short protein forms E881G.
Identifiers: ClinVar variation 1720016 (VCV001720016.6), dbSNP rs2508437330, ClinGen allele CA398145006.

ClinVar aggregate classification (germline): Uncertain significance (1 of 4 stars; one submission).

Conditions:
Myopathy, proximal, and ophthalmoplegia (CMYO6). Also called: CONGENITAL MYOPATHY 6 WITH OPHTHALMOPLEGIA; MYOPATHY WITH CONGENITAL JOINT CONTRACTURES, OPHTHALMOPLEGIA, AND RIMMED VACUOLES; INCLUSION BODY MYOPATHY 3, AUTOSOMAL DOMINANT. Identifiers: Orphanet 363677, Orphanet 79091, MedGen C1854106, MONDO:0011577, OMIM 605637.

Submission:

Labcorp Genetics (formerly Invitae), Labcorp
Classification: Uncertain significance for Myopathy, proximal, and ophthalmoplegia. Last evaluated: 2022-10-18. Review status: criteria provided, single submitter. Criteria: Invitae Variant Classification Sherloc (09022015). Collection method: clinical testing. Allele origin: germline.
Comment: In summary, the available evidence is currently insufficient to determine the role of this variant in disease. Therefore, it has been classified as a Variant of Uncertain Significance. Advanced modeling of protein sequence and biophysical properties (such as structural, functional, and spatial information, amino acid conservation, physicochemical variation, residue mobility, and thermodynamic stability) performed at Invitae indicates that this missense variant is not expected to disrupt MYH2 protein function. This variant has not been reported in the literature in individuals affected with MYH2-related conditions. This variant is not present in population databases (gnomAD no frequency). This sequence change replaces glutamic acid, which is acidic and polar, with glycine, which is neutral and non-polar, at codon 881 of the MYH2 protein (p.Glu881Gly).